The following is an entry in ClinVar:

ClinVar aggregate classification (germline): Uncertain significance (1 of 4 stars; one submission).

Conditions:
PLEC-related disorder. Also called: PLEC-related condition; PLEC-related disorders.

Submission:

PreventionGenetics, part of Exact Sciences
Classification: Uncertain significance for PLEC-related condition. Last evaluated: 2025-01-15. Review status: criteria provided, single submitter. Criteria: ACMG Guidelines, 2015. Collection method: clinical testing. Allele origin: germline.
Comment: The PLEC c.-2C>T variant is located in the 5' untranslated region. To our knowledge, this variant has not been reported in the literature. This variant is reported in 0.031% of alleles in individuals of Latino descent in gnomAD. At this time, the clinical significance of this variant is uncertain due to the absence of conclusive functional and genetic evidence.

NM_201378.4(PLEC):c.71-5973C>T

Gene: PLEC (plectin; minus strand). Cytogenetic location: 8q24.3.
Variant type: single nucleotide variant.
Coding change: c.71-5973C>T on transcript NM_201378.4 (MANE Plus Clinical); 5973 bases into the intron before coding-DNA position 71, C replaced by T.
Molecular consequence: intron variant. On other transcripts: 5 prime UTR variant (1).
Genome position (GRCh38, 1-based): chr8:143,944,665, G>A on the plus strand (C>T on the coding strand, the complement: PLEC is on the minus strand). VCF-style: chr8-143944665-G-A. GRCh37 (hg19) VCF-style: chr8-145018833-G-A.
Other names: c.194-5973C>T (NM_001410941.1, NM_000445.5); c.47-5973C>T (NM_201379.3); c.523+5519C>T (NM_201380.4); c.-2C>T (NM_201381.3).
Identifiers: ClinVar variation 4987315 (VCV004987315.1).
Genomic context (GRCh38, chr8:143,944,665, plus strand): 5'-AGGGGCCAGGATTTCACAAGGCTTTCAAGGGCTGCCCACCTACCGGGCACGATCTTCATC[G>A]GGGACGGTGGCAGGAGCCCACGGGGCAGACGGAGCGGGCCAGGGGTGTGGGAGGTCACAG-3'